The following is an entry in ClinVar:

NM_018972.4(GDAP1):c.992_994del (p.Gly331del)

Gene: GDAP1 (ganglioside induced differentiation associated protein 1; plus strand). Cytogenetic location: 8q21.11.
Variant type: Deletion.
Coding change: c.992_994del on transcript NM_018972.4 (MANE Select); coding-DNA positions 992 to 994, 3 bases deleted (GAG; older notation c.992_994delGAG).
Protein change: p.Gly331del; deletes glycine 331.
Molecular consequence: inframe deletion. On other transcripts: intron variant (1).
Genome position (GRCh38, 1-based): chr8:74,364,282-74,364,284, GAG deleted; deleting any 3 consecutive bases within chr8:74,364,280-74,364,284 gives the same sequence; the c. name uses the placement nearest the transcript's 3' end. VCF-style (leftmost placement, unchanged base first): chr8-74364279-CAGG-C. GRCh37 (hg19) VCF-style: chr8-75276514-CAGG-C.
Other names: c.788_790del, p.Gly263del (NM_001040875.4); c.665_667del, p.Gly222del (NM_001362929.2, NM_001362932.2); c.818_820del, p.Gly273del (NM_001362930.2); c.694+1229_694+1231del (NM_001362931.2); short protein forms G273del, G331del, G222del, G263del.
Identifiers: ClinVar variation 4715587 (VCV004715587.1).

ClinVar aggregate classification (germline): Uncertain significance (1 of 4 stars; one submission).

Conditions:
Charcot-Marie-Tooth disease type 4A. Also called: Charcot-Marie-Tooth disease, demyelinating, autosomal recessive, type 4a. Identifiers: Orphanet 99948, MedGen C1859198, MONDO:0008961, OMIM 214400.

Submission:

Labcorp Genetics (formerly Invitae), Labcorp
Classification: Uncertain significance for Charcot-Marie-Tooth disease type 4A. Last evaluated: 2025-03-20. Review status: criteria provided, single submitter. Criteria: Invitae Variant Classification Sherloc (09022015). Collection method: clinical testing. Allele origin: germline.
Comment: This variant, c.992_994del, results in the deletion of 1 amino acid(s) of the GDAP1 protein (p.Gly331del), but otherwise preserves the integrity of the reading frame. This variant is not present in population databases (gnomAD no frequency). This variant has not been reported in the literature in individuals affected with GDAP1-related conditions. Experimental studies and prediction algorithms are not available or were not evaluated, and the functional significance of this variant is currently unknown. In summary, the available evidence is currently insufficient to determine the role of this variant in disease. Therefore, it has been classified as a Variant of Uncertain Significance.